The following is an entry in ClinVar:

NM_004168.4(SDHA):c.944G>A (p.Gly315Glu)

Gene: SDHA (succinate dehydrogenase complex flavoprotein subunit A; plus strand). Cytogenetic location: 5p15.33.
Variant type: single nucleotide variant.
Coding change: c.944G>A on transcript NM_004168.4 (MANE Select); coding-DNA position 944, G replaced by A.
Protein change: p.Gly315Glu; replaces glycine 315 with glutamic acid.
Molecular consequence: missense variant.
Genome position (GRCh38, 1-based): chr5:233,525, G>A. VCF-style: chr5-233525-G-A. GRCh37 (hg19) VCF-style: chr5-233640-G-A.
Other names: c.800G>A, p.Gly267Glu (NM_001294332.2); c.944G>A, p.Gly315Glu (NM_001330758.2); short protein forms G267E, G315E.
Identifiers: ClinVar variation 659432 (VCV000659432.9), dbSNP rs1579402194, ClinGen allele CA359012637.

ClinVar aggregate classification (germline): Uncertain significance (1 of 4 stars; one submission).

Conditions:
Pheochromocytoma/paraganglioma syndrome 5. Also called: Paragangliomas 5; SDHA-Related Hereditary Paraganglioma-Pheochromocytoma Syndrome. Identifiers: Orphanet 29072, MedGen C3279992, MONDO:0013602, OMIM 614165.
Mitochondrial complex II deficiency, nuclear type 1. Also called: SUCCINATE CoQ REDUCTASE DEFICIENCY. Identifiers: Orphanet 3208, MedGen C5700310, MONDO:0100294, OMIM 252011.

Submission:

Labcorp Genetics (formerly Invitae), Labcorp
Classification: Uncertain significance for Pheochromocytoma/paraganglioma syndrome 5; Mitochondrial complex II deficiency, nuclear type 1. Last evaluated: 2022-10-28. Review status: criteria provided, single submitter. Criteria: Invitae Variant Classification Sherloc (09022015). Collection method: clinical testing. Allele origin: germline.
Comment: This variant has not been reported in the literature in individuals affected with SDHA-related conditions. In summary, the available evidence is currently insufficient to determine the role of this variant in disease. Therefore, it has been classified as a Variant of Uncertain Significance. Algorithms developed to predict the effect of missense changes on protein structure and function (SIFT, PolyPhen-2, Align-GVGD) all suggest that this variant is likely to be disruptive. ClinVar contains an entry for this variant (Variation ID: 659432). This variant is not present in population databases (gnomAD no frequency). This sequence change replaces glycine, which is neutral and non-polar, with glutamic acid, which is acidic and polar, at codon 315 of the SDHA protein (p.Gly315Glu).